The following is an entry in ClinVar:

ClinVar aggregate classification (germline): Uncertain significance (1 of 4 stars; one submission).

Allele frequency attached by ClinVar (database versions not stated): gnomAD 0.00001; gnomAD exomes 0.00001; TOPMed 0.00001; ExAC 0.00002.
gnomAD v4.1: 21 of 1,614,132 alleles (0.0013%); highest among the groups gnomAD compares: Non-Finnish European, 0.0017%; no homozygotes.

Submission:

Labcorp Genetics (formerly Invitae), Labcorp
Classification: Uncertain significance. Last evaluated: 2022-05-16. Review status: criteria provided, single submitter. Criteria: Invitae Variant Classification Sherloc (09022015). Collection method: clinical testing. Allele origin: germline.
Comment: Algorithms developed to predict the effect of missense changes on protein structure and function output the following: SIFT: "Tolerated"; PolyPhen-2: "Benign"; Align-GVGD: "Class C0". The asparagine amino acid residue is found in multiple mammalian species, which suggests that this missense change does not adversely affect protein function. In summary, the available evidence is currently insufficient to determine the role of this variant in disease. Therefore, it has been classified as a Variant of Uncertain Significance. This variant has not been reported in the literature in individuals affected with C1QA-related conditions. This sequence change replaces aspartic acid, which is acidic and polar, with asparagine, which is neutral and polar, at codon 134 of the C1QA protein (p.Asp134Asn). This variant is present in population databases (rs774674695, gnomAD 0.002%).

NM_015991.4(C1QA):c.400G>A (p.Asp134Asn)

Gene: C1QA (complement C1q A chain; plus strand). Cytogenetic location: 1p36.12.
Variant type: single nucleotide variant.
Coding change: c.400G>A on transcript NM_015991.4 (MANE Select); coding-DNA position 400, G replaced by A.
Protein change: p.Asp134Asn; replaces aspartic acid 134 with asparagine.
Molecular consequence: missense variant.
Genome position (GRCh38, 1-based): chr1:22,639,069, G>A. VCF-style: chr1-22639069-G-A. GRCh37 (hg19) VCF-style: chr1-22965562-G-A.
Other names: c.400G>A, p.Asp134Asn (NM_001347465.2, NM_001347466.2); short protein forms D134N.
Identifiers: ClinVar variation 1992633 (VCV001992633.2), dbSNP rs774674695, ClinGen allele CA677779.